The following is an entry in ClinVar:

NM_000218.3(KCNQ1):c.1239del (p.Lys414fs)

Gene: KCNQ1 (potassium voltage-gated channel subfamily Q member 1; plus strand). Cytogenetic location: 11p15.5.
Variant type: Deletion.
Coding change: c.1239del on transcript NM_000218.3 (MANE Select); coding-DNA position 1239, one base deleted (G; older notation c.1239delG).
Protein change: p.Lys414fs; shifts the reading frame from lysine 414.
Molecular consequence: frameshift variant.
Genome position (GRCh38, 1-based): chr11:2,587,680, G deleted. VCF-style (leftmost placement, unchanged base first): chr11-2587679-AG-A. GRCh37 (hg19) VCF-style: chr11-2608909-AG-A.
Other names: c.1143delG, p.Lys382Serfs (NM_001406836.1); c.969delG, p.Lys324Serfs (NM_001406837.1); c.699delG, p.Lys234Serfs (NM_001406838.1); c.858delG, p.Lys287Serfs (NM_181798.2); short protein forms K287fs, K414fs.
Identifiers: ClinVar variation 1395670 (VCV001395670.9), dbSNP rs778786253, ClinGen allele CA5822082.

ClinVar aggregate classification (germline): Pathogenic/Likely pathogenic. Review status: criteria provided, multiple submitters, no conflicts (2 of 4 stars). 3 submissions from 3 submitters: Pathogenic (2); Likely pathogenic (1). Last evaluated 2024-09-25.

Conditions:
Cardiac arrhythmia. Also called: Arrhythmia; Cardiac rhythm disease. Identifiers: MedGen C0003811, MONDO:0007263, HP:0011675.
Long QT syndrome (LQTS). Identifiers: MedGen C0023976, MeSH D008133, MONDO:0002442. Disease mechanism: loss of function. Inheritance: Various modes of inheritance.

Allele frequency attached by ClinVar (database versions not stated): gnomAD exomes below 0.00001 and 0.00002; ExAC 0.00002.

Submissions (3):

Labcorp Genetics (formerly Invitae), Labcorp
Classification: Pathogenic for Long QT syndrome. Last evaluated: 2024-09-25. Review status: criteria provided, single submitter. Criteria: Invitae Variant Classification Sherloc (09022015). Collection method: clinical testing. Allele origin: germline.
Comment: This sequence change creates a premature translational stop signal (p.Lys414Serfs*5) in the KCNQ1 gene. It is expected to result in an absent or disrupted protein product. Loss-of-function variants in KCNQ1 are known to be pathogenic (PMID: 9323054, 19862833). This variant is present in population databases (rs778786253, gnomAD 0.01%). This variant has not been reported in the literature in individuals affected with KCNQ1-related conditions. ClinVar contains an entry for this variant (Variation ID: 1395670). For these reasons, this variant has been classified as Pathogenic.

Color Diagnostics, LLC DBA Color Health
Classification: Pathogenic for Cardiac arrhythmia. Last evaluated: 2024-06-25. Review status: criteria provided, single submitter. Criteria: ACMG Guidelines, 2015. Collection method: clinical testing. Allele origin: germline.
Comment: This variant deletes 1 nucleotide in exon 9 of the KCNQ1 gene, creating a frameshift and premature translation stop signal. This variant is expected to result in an absent or non-functional protein product. To our knowledge, this variant has not been reported in individuals affected with KCNQ1-related disorders in the literature. This variant has been identified in 4/251260 chromosomes in the general population by the Genome Aggregation Database (gnomAD). Loss of KCNQ1 function is a known mechanism of disease. Based on the available evidence, this variant is classified as Pathogenic.

All of Us Research Program, National Institutes of Health
Classification: Likely pathogenic for Long QT syndrome. Last evaluated: 2024-05-13. Review status: criteria provided, single submitter. Criteria: ACMG Guidelines, 2015. Collection method: clinical testing. Allele origin: germline. Inheritance: Autosomal dominant inheritance. Observed: 1 variant allele, 1 heterozygote.
Comment: This variant is predicted to result in loss of protein function through nonsense-mediated decay or protein truncation. Loss of function is an established mechanism of disease. This variant is rare in large population databases, including the Genome Aggregation Database. To date, this variant has not been reported in association with human disease in the medical literature.

This study involves interpretation of variants in research participants for the purpose of population health screening. Participant phenotype was not available at the time of variant classification. Additional details can be found in publication PMID: 35346344, PMCID: PMC8962531

Literature cited by the submitters: PubMed 9323054 (cited by Labcorp Genetics (formerly Invitae), Labcorp); PubMed 19862833 (cited by Labcorp Genetics (formerly Invitae), Labcorp).